The following is an entry in ClinVar:

ClinVar aggregate classification (germline): Pathogenic (1 of 4 stars; one submission).

Submission:

Labcorp Genetics (formerly Invitae), Labcorp
Classification: Pathogenic. Last evaluated: 2022-03-17. Review status: criteria provided, single submitter. Criteria: Invitae Variant Classification Sherloc (09022015). Collection method: clinical testing. Allele origin: germline.
Comment: A similar copy number variant has been observed in individual(s) with methylmalonic acidemia (PMID: 15643616). For these reasons, this variant has been classified as Pathogenic. This variant disrupts a region of the MUT protein in which other variant(s) (p.Arg694) have been determined to be pathogenic (PMID: 17957493, 27591164). This suggests that this is a clinically significant region of the protein, and that variants that disrupt it are likely to be disease-causing. This variant is a gross deletion of the genomic region encompassing exon(s) 12 of the MUT gene. This variant would be expected to be in-frame, preserving the integrity of the reading frame.

Literature cited by the submitters: PubMed 15643616; PubMed 17957493; PubMed 27591164.

NC_000006.11:g.(?_49403159)_(49403346_?)del

Gene: MMUT (methylmalonyl-CoA mutase; minus strand). Cytogenetic location: 6p12.3.
Variant type: Deletion.
Identifiers: ClinVar variation 2422679 (VCV002422679.4).